The following is an entry in ClinVar:

NM_004614.5(TK2):c.398A>C (p.Glu133Ala)

Gene: TK2 (thymidine kinase 2; minus strand). Cytogenetic location: 16q21.
Variant type: single nucleotide variant.
Coding change: c.398A>C on transcript NM_004614.5 (MANE Select); coding-DNA position 398, A replaced by C.
Protein change: p.Glu133Ala; replaces glutamic acid 133 with alanine.
Molecular consequence: missense variant. On other transcripts: non-coding transcript variant (1).
Genome position (GRCh38, 1-based): chr16:66,529,045, T>G on the plus strand (A>C on the coding strand, the complement: TK2 is on the minus strand). VCF-style: chr16-66529045-T-G. GRCh37 (hg19) VCF-style: chr16-66562948-T-G.
Other names: c.305A>C, p.Glu102Ala (NM_001172643.1, NM_001271935.1); c.323A>C, p.Glu108Ala (NM_001172644.2); c.344A>C, p.Glu115Ala (NM_001172645.2); c.251A>C, p.Glu84Ala (NM_001271934.2); c.107A>C, p.Glu36Ala (NM_001272050.2); short protein forms E102A, E108A, E115A, E133A, E36A, E84A.
Identifiers: ClinVar variation 3778839 (VCV003778839.2).

ClinVar aggregate classification (germline): Likely pathogenic (1 of 4 stars; one submission).

Conditions:
Mitochondrial disease. Also called: Mitochondrial disorders; Mitochondrial disorder. Identifiers: Orphanet 68380, MedGen C0751651, MeSH D028361, MONDO:0044970.

Submission:

Genomenon, Inc
Classification: Likely pathogenic for Mitochondrial disease. Last evaluated: 2025-11-24. Review status: criteria provided, single submitter. Criteria: Genomenon Sequence Variant Interpretation Standards - Updated. Collection method: curation. Allele origin: germline. Affected: no.
Comment: TK2 p.Glu133Ala (c.398A>C) is a missense variant that changes the amino acid at residue 133 from Glutamic acid to Alanine. This variant has been reported in the published literature (34758700). TK2 p.Glu133Ala is located in a mutational hotspot and/or important functional domain. This variant is not present at a significant frequency in gnomAD and in silico models agree that this variant is possibly or probably damaging. In conclusion, we classify TK2 p.Glu133Ala (c.398A>C) as a likely pathogenic variant.

Literature cited by the submitters: PubMed 34758700.